The following is an entry in ClinVar:

NM_003072.5(SMARCA4):c.1034T>G (p.Leu345Arg)

Gene: SMARCA4 (SWI/SNF related BAF chromatin remodeling complex subunit ATPase 4; plus strand). Cytogenetic location: 19p13.2.
Variant type: single nucleotide variant.
Coding change: c.1034T>G on transcript NM_003072.5 (MANE Select); coding-DNA position 1034, T replaced by G.
Protein change: p.Leu345Arg; replaces leucine 345 with arginine.
Molecular consequence: missense variant. On other transcripts: non-coding transcript variant (1).
Genome position (GRCh38, 1-based): chr19:10,987,840, T>G. VCF-style: chr19-10987840-T-G. GRCh37 (hg19) VCF-style: chr19-11098516-T-G.
Other names: c.1034T>G, p.Leu345Arg (NM_001128844.3, NM_001128845.2, NM_001128846.2 and 5 more transcripts); short protein forms L345R.
Identifiers: ClinVar variation 1416642 (VCV001416642.8), dbSNP rs1599970814, ClinGen allele CA404058674.

ClinVar aggregate classification (germline): Uncertain significance (1 of 4 stars; one submission).

Conditions:
Rhabdoid tumor predisposition syndrome 2 (RTPS2). Identifiers: Orphanet 231108, Orphanet 69077, MedGen C2750074, MONDO:0013224, OMIM 613325.

Submission:

Labcorp Genetics (formerly Invitae), Labcorp
Classification: Uncertain significance for Rhabdoid tumor predisposition syndrome 2. Last evaluated: 2021-04-05. Review status: criteria provided, single submitter. Criteria: Invitae Variant Classification Sherloc (09022015). Collection method: clinical testing. Allele origin: germline.
Comment: In summary, the available evidence is currently insufficient to determine the role of this variant in disease. Therefore, it has been classified as a Variant of Uncertain Significance. Algorithms developed to predict the effect of missense changes on protein structure and function are either unavailable or do not agree on the potential impact of this missense change (SIFT: "Deleterious"; PolyPhen-2: "Benign"; Align-GVGD: "Class C25"). This variant has not been reported in the literature in individuals with SMARCA4-related conditions. This variant is not present in population databases (ExAC no frequency). This sequence change replaces leucine with arginine at codon 345 of the SMARCA4 protein (p.Leu345Arg). The leucine residue is moderately conserved and there is a moderate physicochemical difference between leucine and arginine.